The following is an entry in ClinVar:

NM_001458.5(FLNC):c.4203G>C (p.Lys1401Asn)

Gene: FLNC (filamin C; plus strand). Cytogenetic location: 7q32.1.
Variant type: single nucleotide variant.
Coding change: c.4203G>C on transcript NM_001458.5 (MANE Select); coding-DNA position 4203, G replaced by C.
Protein change: p.Lys1401Asn; replaces lysine 1401 with asparagine.
Molecular consequence: missense variant.
Genome position (GRCh38, 1-based): chr7:128,846,820, G>C. VCF-style: chr7-128846820-G-C. GRCh37 (hg19) VCF-style: chr7-128486874-G-C.
Other names: c.4203G>C, p.Lys1401Asn (NM_001127487.2); short protein forms K1401N.
Identifiers: ClinVar variation 1305288 (VCV001305288.3), dbSNP rs2128937037, ClinGen allele CA369200636.
Genomic context (GRCh38, chr7:128,846,820, plus strand): 5'-GGGCCTTGGCCTAGCCATCGAGGGTCCCTCGGAAGCCAAGATGTCCTGCAAGGACAACAA[G>C]GATGGTAGCTGCACCGTGGAGTACATCCCCTTCACTCCTGGAGACTATGACGTCAACATC-3'
Protein context (NP_001449.3, residues 1391-1411): SEAKMSCKDN[Lys1401Asn]DGSCTVEYIP

ClinVar aggregate classification (germline): Uncertain significance. Review status: criteria provided, multiple submitters, no conflicts (2 of 4 stars). 2 submissions from 2 submitters: Uncertain significance (2). Last evaluated 2025-08-10.

Conditions:
Hypertrophic cardiomyopathy 26. Also called: Cardiomyopathy, familial hypertrophic, 26. Identifiers: Orphanet 75249, MedGen C4310749, MONDO:0014883, OMIM 617047.
Myofibrillar myopathy 5. Also called: FILAMINOPATHY, AUTOSOMAL DOMINANT; Filaminopathy (type). Identifiers: Orphanet 171445, MedGen C1836050, MONDO:0012289, OMIM 609524.
Distal myopathy with posterior leg and anterior hand involvement. Also called: WILLIAMS DISTAL MYOPATHY. Identifiers: Orphanet 63273, MedGen C3279722, MONDO:0013550, OMIM 614065.

gnomAD v4.1: 1 of 1,614,256 alleles (0.000062%); no homozygotes.

Submissions (2):

Labcorp Genetics (formerly Invitae), Labcorp
Classification: Uncertain significance for Distal myopathy with posterior leg and anterior hand involvement; Myofibrillar myopathy 5; Hypertrophic cardiomyopathy 26. Last evaluated: 2025-08-10. Review status: criteria provided, single submitter. Criteria: Invitae Variant Classification Sherloc (09022015). Collection method: clinical testing. Allele origin: germline.
Comment: This sequence change replaces lysine, which is basic and polar, with asparagine, which is neutral and polar, at codon 1401 of the FLNC protein (p.Lys1401Asn). This variant is not present in population databases (gnomAD no frequency). This variant has not been reported in the literature in individuals affected with FLNC-related conditions. ClinVar contains an entry for this variant (Variation ID: 1305288). Invitae Evidence Modeling of protein sequence and biophysical properties (such as structural, functional, and spatial information, amino acid conservation, physicochemical variation, residue mobility, and thermodynamic stability) has been performed for this missense variant. However, the output from this modeling did not meet the statistical confidence thresholds required to predict the impact of this variant on FLNC protein function. In summary, the available evidence is currently insufficient to determine the role of this variant in disease. Therefore, it has been classified as a Variant of Uncertain Significance.

GeneDx
Classification: Uncertain significance. Last evaluated: 2019-04-18. Review status: criteria provided, single submitter. Criteria: GeneDx Variant Classification Process June 2021. Collection method: clinical testing. Allele origin: germline. Affected: yes.
Comment: Has not been previously published as pathogenic or benign to our knowledge; Not observed in large population cohorts (Lek et al., 2016); In silico analysis, which includes protein predictors and evolutionary conservation, supports a deleterious effect